The following is an entry in ClinVar:

NM_001292063.2(OTOG):c.3423C>T (p.Leu1141=)

Gene: OTOG (otogelin; plus strand). Cytogenetic location: 11p15.1.
Variant type: single nucleotide variant.
Coding change: c.3423C>T on transcript NM_001292063.2 (MANE Select); coding-DNA position 3423, C replaced by T.
Protein change: p.Leu1141=; no amino-acid change (leucine 1141 retained).
Molecular consequence: synonymous variant.
Genome position (GRCh38, 1-based): chr11:17,596,052, C>T. VCF-style: chr11-17596052-C-T. GRCh37 (hg19) VCF-style: chr11-17617599-C-T.
Other names: c.3459C>T, p.Leu1153= (NM_001277269.2).
Identifiers: ClinVar variation 226887 (VCV000226887.15), dbSNP rs7122875, ClinGen allele CA5905738.

ClinVar aggregate classification (germline): Benign. Review status: criteria provided, multiple submitters, no conflicts (2 of 4 stars). 4 submissions from 4 submitters: Benign (4). Last evaluated 2026-01-05.

Allele frequency attached by ClinVar (database versions not stated): gnomAD exomes 0.00090 and 0.00173; ExAC 0.00217; 1000 Genomes Project 0.00899; gnomAD 0.00912 and 0.00974; TOPMed 0.01033; 1000 Genomes Project 30x 0.01046.
gnomAD v4.1: 2,690 of 1,550,724 alleles (0.17%); highest among the groups gnomAD compares: African/African-American, 3.3%; 53 homozygotes.

Submissions (4):

Labcorp Genetics (formerly Invitae), Labcorp
Classification: Benign. Last evaluated: 2026-01-05. Review status: criteria provided, single submitter. Criteria: Invitae Variant Classification Sherloc (09022015). Collection method: clinical testing. Allele origin: germline.

GeneDx
Classification: Benign. Last evaluated: 2018-04-26. Review status: criteria provided, single submitter. Criteria: GeneDx Variant Classification (06012015). Collection method: clinical testing. Allele origin: germline. Affected: yes.
Comment: This variant is considered likely benign or benign based on one or more of the following criteria: it is a conservative change, it occurs at a poorly conserved position in the protein, it is predicted to be benign by multiple in silico algorithms, and/or has population frequency not consistent with disease.

Laboratory for Molecular Medicine, Mass General Brigham Personalized Medicine
Classification: Benign. Last evaluated: 2014-11-24. Review status: criteria provided, single submitter. Criteria: LMM Criteria. Collection method: clinical testing. Allele origin: germline. Observed: 13 variant alleles.
Comment: Leu1153Leu in exon 28 of OTOG: This variant is not expected to have clinical sig nificance because it does not alter an amino acid residue and is not located wit hin the splice consensus sequence. It has been identified in 3.1% (6/194) of Luh ya (Kenyan) chromosomes from a broad population by the 1000 Genomes Project (dbSNP rs7122875).

Breakthrough Genomics
Classification: Benign. Review status: criteria provided, single submitter. Criteria: ACMG Guidelines, 2015. Collection method: not provided. Allele origin: germline. Inheritance: Autosomal recessive inheritance. Affected: yes.